The following is an entry in ClinVar:

ClinVar aggregate classification (germline): Uncertain significance (1 of 4 stars; one submission).

Submission:

GeneDx
Classification: Uncertain significance. Last evaluated: 2022-03-22. Review status: criteria provided, single submitter. Criteria: GeneDx Variant Classification Process June 2021. Collection method: clinical testing. Allele origin: germline. Affected: yes.
Comment: Not observed at significant frequency in large population cohorts (gnomAD); In silico analysis supports that this missense variant has a deleterious effect on protein structure/function; Has not been previously published as pathogenic or benign to our knowledge

NM_015267.4(CUX2):c.2654C>G (p.Pro885Arg)

Gene: CUX2 (cut like homeobox 2; plus strand). Cytogenetic location: 12q24.12.
Variant type: single nucleotide variant.
Coding change: c.2654C>G on transcript NM_015267.4 (MANE Select); coding-DNA position 2654, C replaced by G.
Protein change: p.Pro885Arg; replaces proline 885 with arginine.
Molecular consequence: missense variant.
Genome position (GRCh38, 1-based): chr12:111,320,663, C>G. VCF-style: chr12-111320663-C-G. GRCh37 (hg19) VCF-style: chr12-111758467-C-G.
Other names: c.2468C>G, p.Pro823Arg (NM_001370598.1); short protein forms P823R, P885R.
Identifiers: ClinVar variation 1707046 (VCV001707046.2), dbSNP rs2499870493, ClinGen allele CA386714034.
Genomic context (GRCh38, chr12:111,320,663, plus strand): 5'-TGCCCTACTACCCGGCCTACGTGCCGCGCACCCTGAAGCCCACCGTGCCGCCGCTGACCC[C>G]CGAGCAGTACGAGCTGTACATGTACCGTGAGGTAGACACGCTGGAGCTCACCCGCCAGGT-3'
Protein context (NP_056082.2, residues 875-895): TLKPTVPPLT[Pro885Arg]EQYELYMYRE